The following is an entry in ClinVar:

NM_020831.6(MRTFA):c.2401_2409del (p.Ser801_Gln803del)

Gene: MRTFA (myocardin related transcription factor A; minus strand). Cytogenetic location: 22q13.1.
Variant type: Deletion.
Coding change: c.2401_2409del on transcript NM_020831.6 (MANE Select); coding-DNA positions 2401 to 2409, 9 bases deleted (TCTGCCCAG; older notation c.2401_2409delTCTGCCCAG).
Protein change: p.Ser801_Gln803del.
Molecular consequence: inframe deletion.
Genome position (GRCh38, 1-based): chr22:40,417,449-40,417,457, CTGGGCAGA deleted on the plus strand (TCTGCCCAG on the coding strand, the reverse complement: MRTFA is on the minus strand). VCF-style (leftmost placement, unchanged base first): chr22-40417448-TCTGGGCAGA-T. GRCh37 (hg19) VCF-style: chr22-40813452-TCTGGGCAGA-T.
Other names: c.2101_2109del, p.Ser701_Gln703del (NM_001282660.2); c.2251_2259del, p.Ser751_Gln753del (NM_001282661.3); c.2401_2409del, p.Ser801_Gln803del (NM_001282662.3); c.2206_2214del, p.Ser736_Gln738del (NM_001318139.2).
Identifiers: ClinVar variation 1682954 (VCV001682954.8), dbSNP rs2147063420, ClinGen allele CA2573158368.

ClinVar aggregate classification (germline): Uncertain significance (1 of 4 stars; one submission).

Submission:

Labcorp Genetics (formerly Invitae), Labcorp
Classification: Uncertain significance. Last evaluated: 2022-08-16. Review status: criteria provided, single submitter. Criteria: Invitae Variant Classification Sherloc (09022015). Collection method: clinical testing. Allele origin: germline.
Comment: This variant, c.2101_2109del, results in the deletion of 3 amino acid(s) of the MKL1 protein (p.Ser701_Gln703del), but otherwise preserves the integrity of the reading frame. In summary, the available evidence is currently insufficient to determine the role of this variant in disease. Therefore, it has been classified as a Variant of Uncertain Significance. Algorithms developed to predict the effect of sequence changes on RNA splicing suggest that this variant may disrupt the consensus splice site. Experimental studies and prediction algorithms are not available or were not evaluated, and the functional significance of this variant is currently unknown. ClinVar contains an entry for this variant (Variation ID: 1682954). This variant has not been reported in the literature in individuals affected with MKL1-related conditions. This variant is not present in population databases (gnomAD no frequency).